The following is an entry in ClinVar:

ClinVar aggregate classification (germline): Uncertain significance. Review status: criteria provided, multiple submitters, no conflicts (2 of 4 stars). 3 submissions from 3 submitters: Uncertain significance (3). Last evaluated 2024-08-06.

Conditions:
Hypokalemic periodic paralysis, type 1. Also called: HypoPP; Hypokalemic Periodic Paralysis Type 1 (AD). Identifiers: Orphanet 681, MedGen C3714580, MONDO:0042979, OMIM 170400.
Malignant hyperthermia, susceptibility to, 5 (MHS5). Also called: CACNA1S-Related Malignant Hyperthermia Susceptibility. Identifiers: Orphanet 423, MedGen C1866077, MONDO:0011163, OMIM 601887.

Allele frequency attached by ClinVar (database versions not stated): gnomAD exomes below 0.00001 and 0.00001; TOPMed below 0.00001; ExAC 0.00001; gnomAD 0.00001.

Submissions (3):

All of Us Research Program, National Institutes of Health
Classification: Uncertain significance for Malignant hyperthermia, susceptibility to, 5. Last evaluated: 2024-08-06. Review status: criteria provided, single submitter. Criteria: ACMG Guidelines, 2015. Collection method: clinical testing. Allele origin: germline. Inheritance: Autosomal dominant inheritance. Observed: 4 variant alleles, 4 heterozygotes.
Comment: This missense variant replaces tyrosine with cysteine at codon 108 of the CACNA1S protein. Computational prediction suggests that this variant may have deleterious impact on protein structure and function (internally defined REVEL score threshold >= 0.7, PMID: 27666373). To our knowledge, functional studies have not been reported for this variant. This variant has not been reported in individuals affected with CACNA1S-related disorders in the literature. This variant has been identified in 1/251490 chromosomes in the general population by the Genome Aggregation Database (gnomAD). The available evidence is insufficient to determine the role of this variant in disease conclusively. Therefore, this variant is classified as a Variant of Uncertain Significance.

This study involves interpretation of variants in research participants for the purpose of population health screening. Participant phenotype was not available at the time of variant classification. Additional details can be found in publication PMID: 35346344, PMCID: PMC8962531

Color Diagnostics, LLC DBA Color Health
Classification: Uncertain significance for Malignant hyperthermia, susceptibility to, 5. Last evaluated: 2023-11-22. Review status: criteria provided, single submitter. Criteria: ACMG Guidelines, 2015. Collection method: clinical testing. Allele origin: germline.
Comment: This missense variant replaces tyrosine with cysteine at codon 108 of the CACNA1S protein. Computational prediction suggests that this variant may have deleterious impact on protein structure and function. To our knowledge, functional studies have not been reported for this variant. This variant has not been reported in individuals affected with CACNA1S-related disorders in the literature. This variant has been identified in 1/251490 chromosomes in the general population by the Genome Aggregation Database (gnomAD). The available evidence is insufficient to determine the role of this variant in disease conclusively. Therefore, this variant is classified as a Variant of Uncertain Significance.

Labcorp Genetics (formerly Invitae), Labcorp
Classification: Uncertain significance for Hypokalemic periodic paralysis, type 1; Malignant hyperthermia, susceptibility to, 5. Last evaluated: 2020-10-20. Review status: criteria provided, single submitter. Criteria: Invitae Variant Classification Sherloc (09022015). Collection method: clinical testing. Allele origin: germline.
Comment: In summary, the available evidence is currently insufficient to determine the role of this variant in disease. Therefore, it has been classified as a Variant of Uncertain Significance. Advanced modeling of protein sequence and biophysical properties (such as structural, functional, and spatial information, amino acid conservation, physicochemical variation, residue mobility, and thermodynamic stability) performed at Invitae indicates that this missense variant is not expected to disrupt CACNA1S protein function. This variant has not been reported in the literature in individuals with CACNA1S-related conditions. This variant is present in population databases (rs768322856, ExAC 0.01%). This sequence change replaces tyrosine with cysteine at codon 108 of the CACNA1S protein (p.Tyr108Cys). The tyrosine residue is moderately conserved and there is a large physicochemical difference between tyrosine and cysteine.

NM_000069.3(CACNA1S):c.323A>G (p.Tyr108Cys)

Gene: CACNA1S (calcium voltage-gated channel subunit alpha1 S; minus strand). Cytogenetic location: 1q32.1.
Variant type: single nucleotide variant.
Coding change: c.323A>G on transcript NM_000069.3 (MANE Select); coding-DNA position 323, A replaced by G.
Protein change: p.Tyr108Cys; replaces tyrosine 108 with cysteine.
Molecular consequence: missense variant.
Genome position (GRCh38, 1-based): chr1:201,093,957, T>C on the plus strand (A>G on the coding strand, the complement: CACNA1S is on the minus strand). VCF-style: chr1-201093957-T-C. GRCh37 (hg19) VCF-style: chr1-201063085-T-C.
Other names: short protein forms Y108C.
Identifiers: ClinVar variation 1039143 (VCV001039143.12), dbSNP rs768322856, ClinGen allele CA079599.